The following is an entry in ClinVar:

NM_000053.4(ATP7B):c.870_874del (p.Ser291fs)

Gene: ATP7B (ATPase copper transporting beta; minus strand). Cytogenetic location: 13q14.3.
Variant type: Deletion.
Coding change: c.870_874del on transcript NM_000053.4 (MANE Select); coding-DNA positions 870 to 874, 5 bases deleted (GTCCT; older notation c.870_874delGTCCT).
Protein change: p.Ser291fs; shifts the reading frame from serine 291.
Molecular consequence: frameshift variant. On other transcripts: intron variant (1).
Genome position (GRCh38, 1-based): chr13:51,974,346-51,974,350, AGGAC deleted on the plus strand (GTCCT on the coding strand, the reverse complement: ATP7B is on the minus strand); deleting any 5 consecutive bases within chr13:51,974,346-51,974,351 gives the same sequence; the c. name uses the placement nearest the transcript's 3' end. VCF-style (leftmost placement, unchanged base first): chr13-51974345-AAGGAC-A. GRCh37 (hg19) VCF-style: chr13-52548481-AAGGAC-A.
Other names: c.869_873delTGTCC, p.Ser291Glyfs (NM_001406512.1, NM_001406513.1, NM_001406514.1 and 26 more transcripts); c.773_777delTGTCC, p.Ser259Glyfs (NM_001406517.1, NM_001406518.1, NM_001406530.1 and 3 more transcripts); c.802+68_802+72del (NM_001243182.2); c.870_874del, p.Ser291fs (NM_001005918.3, NM_001330578.2, NM_001330579.2); short protein forms S291fs.
Identifiers: ClinVar variation 2118714 (VCV002118714.4), dbSNP rs2547817654, ClinGen allele CA2580087681.
Genomic context (GRCh38, chr13:51,974,345, plus strand): 5'-TGCAGAGCCACTGGGCTGGTACAAGAAGGGTCATACTTTACTTGGGCAGTTTTGTTCTCC[AAGGAC>A]ACTTGAATACTTTGAACCCCTAGGAGCTGGCCAATATTTTCTTCAATATTCAAGACGCAA-3'

ClinVar aggregate classification (germline): Pathogenic (1 of 4 stars; one submission).

Conditions:
Wilson disease (WND). Also called: Wilson's disease. Identifiers: Orphanet 905, MedGen C0019202, MONDO:0010200, OMIM 277900. Disease mechanism: loss of function.

Submission:

Labcorp Genetics (formerly Invitae), Labcorp
Classification: Pathogenic for Wilson disease. Last evaluated: 2022-03-28. Review status: criteria provided, single submitter. Criteria: Invitae Variant Classification Sherloc (09022015). Collection method: clinical testing. Allele origin: germline.
Comment: This variant is not present in population databases (gnomAD no frequency). For these reasons, this variant has been classified as Pathogenic. This variant has not been reported in the literature in individuals affected with ATP7B-related conditions. This sequence change creates a premature translational stop signal (p.Ser291Glyfs*10) in the ATP7B gene. It is expected to result in an absent or disrupted protein product. Loss-of-function variants in ATP7B are known to be pathogenic (PMID: 10441329, 16283883).

Literature cited by the submitters: PubMed 10441329; PubMed 16283883.